The following is an entry in ClinVar:

NM_000322.5(PRPH2):c.802G>C (p.Val268Leu)

Gene: PRPH2 (peripherin 2; minus strand). Cytogenetic location: 6p21.1.
Variant type: single nucleotide variant.
Coding change: c.802G>C on transcript NM_000322.5 (MANE Select); coding-DNA position 802, G replaced by C.
Protein change: p.Val268Leu; replaces valine 268 with leucine.
Molecular consequence: missense variant.
Genome position (GRCh38, 1-based): chr6:42,704,391, C>G on the plus strand (G>C on the coding strand, the complement: PRPH2 is on the minus strand). VCF-style: chr6-42704391-C-G. GRCh37 (hg19) VCF-style: chr6-42672129-C-G.
Other names: short protein forms V268L.
Identifiers: ClinVar variation 1428994 (VCV001428994.8), dbSNP rs62645936, ClinGen allele CA364134683.

ClinVar aggregate classification (germline): Uncertain significance (1 of 4 stars; one submission).

Conditions:
PRPH2-related disorder. Also called: PRPH2-related condition; PRPH2-related disorders. Identifiers: MedGen CN239395.

gnomAD v4.1: 7 of 1,609,430 alleles (0.00043%); highest among the groups gnomAD compares: Admixed American, 0.0051%; no homozygotes.

Submission:

Labcorp Genetics (formerly Invitae), Labcorp
Classification: Uncertain significance for PRPH2-related disorder. Last evaluated: 2025-06-01. Review status: criteria provided, single submitter. Criteria: Invitae Variant Classification Sherloc (09022015). Collection method: clinical testing. Allele origin: germline.
Comment: This sequence change replaces valine, which is neutral and non-polar, with leucine, which is neutral and non-polar, at codon 268 of the PRPH2 protein (p.Val268Leu). This variant is not present in population databases (gnomAD no frequency). This variant has not been reported in the literature in individuals affected with PRPH2-related conditions. ClinVar contains an entry for this variant (Variation ID: 1428994). Invitae Evidence Modeling of protein sequence and biophysical properties (such as structural, functional, and spatial information, amino acid conservation, physicochemical variation, residue mobility, and thermodynamic stability) indicates that this missense variant is not expected to disrupt PRPH2 protein function with a negative predictive value of 95%. In summary, the available evidence is currently insufficient to determine the role of this variant in disease. Therefore, it has been classified as a Variant of Uncertain Significance.